The following is an entry in ClinVar:

ClinVar aggregate classification (germline): Uncertain significance (0 of 4 stars; one submission).

Conditions:
PLXNA4-related disorder. Also called: PLXNA4-related condition.

gnomAD v4.1: 19 of 1,612,930 alleles (0.0012%); highest among the groups gnomAD compares: African/African-American, 0.0053%; no homozygotes.

Submission:

PreventionGenetics, part of Exact Sciences
Classification: Uncertain significance for PLXNA4-related condition. Last evaluated: 2024-04-03. Review status: no assertion criteria provided. Collection method: clinical testing. Allele origin: germline.
Comment: The PLXNA4 c.3689C>T variant is predicted to result in the amino acid substitution p.Pro1230Leu. To our knowledge, this variant has not been reported in the literature. This variant is reported in 0.017% of alleles in individuals of African descent in gnomAD. At this time, the clinical significance of this variant is uncertain due to the absence of conclusive functional and genetic evidence.

NM_020911.2(PLXNA4):c.3689C>T (p.Pro1230Leu)

Gene: PLXNA4 (plexin A4; minus strand). Cytogenetic location: 7q32.3.
Variant type: single nucleotide variant.
Coding change: c.3689C>T on transcript NM_020911.2 (MANE Select); coding-DNA position 3689, C replaced by T.
Protein change: p.Pro1230Leu; replaces proline 1230 with leucine.
Molecular consequence: missense variant.
Genome position (GRCh38, 1-based): chr7:132,179,872, G>A on the plus strand (C>T on the coding strand, the complement: PLXNA4 is on the minus strand). VCF-style: chr7-132179872-G-A. GRCh37 (hg19) VCF-style: chr7-131864631-G-A.
Other names: c.3689C>T, p.Pro1230Leu (NM_001393897.1); short protein forms P1230L.
Identifiers: ClinVar variation 3357412 (VCV003357412.1).